The following is an entry in ClinVar:

NM_000138.5(FBN1):c.7647del (p.Cys2550fs)

Gene: FBN1 (fibrillin 1; minus strand). Cytogenetic location: 15q21.1.
Variant type: Deletion.
Coding change: c.7647del on transcript NM_000138.5 (MANE Select); coding-DNA position 7647, one base deleted (C; older notation c.7647delC).
Protein change: p.Cys2550fs; shifts the reading frame from cysteine 2550.
Molecular consequence: frameshift variant.
Genome position (GRCh38, 1-based): chr15:48,421,610, G deleted on the plus strand (C on the coding strand, the reverse complement: FBN1 is on the minus strand); the first of 2 consecutive G bases (chr15:48,421,610-48,421,611); deleting either gives the same sequence. VCF-style (leftmost placement, unchanged base first): chr15-48421609-AG-A. GRCh37 (hg19) VCF-style: chr15-48713806-AG-A.
Other names: c.7647del, p.Cys2550fs (NM_001406716.1); short protein forms C2550fs.
Identifiers: ClinVar variation 4786101 (VCV004786101.1).

ClinVar aggregate classification (germline): Pathogenic (1 of 4 stars; one submission).

Conditions:
Marfan syndrome (MFS). Also called: FBN1-Related Marfan Syndrome; MARFAN SYNDROME, TYPE I; Marfan syndrome type 1; Marfan's syndrome; Marfan syndrome, classic. Identifiers: Orphanet 284963, Orphanet 558, MedGen C0024796, MONDO:0007947, OMIM 154700.
Familial thoracic aortic aneurysm and aortic dissection (TAAD). Also called: Thoracic aortic aneurysms and dissections. Identifiers: Orphanet 91387, MedGen C4707243, MONDO:0019625.

Submission:

Labcorp Genetics (formerly Invitae), Labcorp
Classification: Pathogenic for Marfan syndrome; Familial thoracic aortic aneurysm and aortic dissection. Last evaluated: 2025-10-14. Review status: criteria provided, single submitter. Criteria: Invitae Variant Classification Sherloc (09022015). Collection method: clinical testing. Allele origin: germline.
Comment: This sequence change creates a premature translational stop signal (p.Cys2550Valfs*132) in the FBN1 gene. It is expected to result in an absent or disrupted protein product. Loss-of-function variants in FBN1 are known to be pathogenic (PMID: 17657824, 19293843). This variant is not present in population databases (gnomAD no frequency). This variant has not been reported in the literature in individuals affected with FBN1-related conditions. For these reasons, this variant has been classified as Pathogenic.

Literature cited by the submitters: PubMed 17657824; PubMed 19293843.